The following is an entry in ClinVar:

NM_001258392.3(CLPB):c.1765G>A (p.Ala589Thr)

Gene: CLPB (ClpB family mitochondrial disaggregase; minus strand). Cytogenetic location: 11q13.4.
Variant type: single nucleotide variant.
Coding change: c.1765G>A on transcript NM_001258392.3 (MANE Select); coding-DNA position 1765, G replaced by A.
Protein change: p.Ala589Thr; replaces alanine 589 with threonine.
Molecular consequence: missense variant.
Genome position (GRCh38, 1-based): chr11:72,294,042, C>T on the plus strand (G>A on the coding strand, the complement: CLPB is on the minus strand). VCF-style: chr11-72294042-C-T. GRCh37 (hg19) VCF-style: chr11-72005086-C-T.
Other names: c.1678G>A, p.Ala560Thr (NM_001258393.3); c.1720G>A, p.Ala574Thr (NM_001258394.3); c.1855G>A, p.Ala619Thr (NM_030813.6); short protein forms A574T, A589T, A619T, A560T.
Identifiers: ClinVar variation 1380471 (VCV001380471.8), dbSNP rs1949500581, ClinGen allele CA381725371.

ClinVar aggregate classification (germline): Uncertain significance (1 of 4 stars; one submission).

Conditions:
3-methylglutaconic aciduria, type VIIB (MGCA7B). Also called: CLPB Deficiency; 3-methylglutaconic aciduria with cataracts, neurologic involvement and neutropenia; 3-methylglutaconic aciduria, type VII, with cataracts, neurologic involvement and neutropenia. Identifiers: Orphanet 445038, MedGen C5676893, MONDO:0014561, OMIM 616271.

Allele frequency attached by ClinVar (database versions not stated): TOPMed below 0.00001; gnomAD 0.00001; gnomAD exomes 0.00001.
gnomAD v4.1: 10 of 1,613,822 alleles (0.00062%); highest among the groups gnomAD compares: African/African-American, 0.0013%; no homozygotes.

Submission:

Labcorp Genetics (formerly Invitae), Labcorp
Classification: Uncertain significance for 3-methylglutaconic aciduria, type VIIB. Last evaluated: 2025-03-31. Review status: criteria provided, single submitter. Criteria: Invitae Variant Classification Sherloc (09022015). Collection method: clinical testing. Allele origin: germline.
Comment: This sequence change replaces alanine, which is neutral and non-polar, with threonine, which is neutral and polar, at codon 619 of the CLPB protein (p.Ala619Thr). This variant is not present in population databases (gnomAD no frequency). This variant has not been reported in the literature in individuals affected with CLPB-related conditions. ClinVar contains an entry for this variant (Variation ID: 1380471). An algorithm developed to predict the effect of missense changes on protein structure and function (PolyPhen-2) suggests that this variant is likely to be disruptive. In summary, the available evidence is currently insufficient to determine the role of this variant in disease. Therefore, it has been classified as a Variant of Uncertain Significance.